The following is an entry in ClinVar:

ClinVar aggregate classification (germline): Pathogenic. Review status: criteria provided, multiple submitters, no conflicts (2 of 4 stars). 2 submissions from 2 submitters: Pathogenic (2). Last evaluated 2024-06-07.

Conditions:
Mucopolysaccharidosis, MPS-II (MPS2). Also called: Mucopolysaccharidosis type 2; Hunter Syndrome; IDURONATE 2-SULFATASE DEFICIENCY; Mucopolysaccharidosis Type II; IDS deficiency; Sulfoiduronate sulfatase deficiency. Identifiers: Orphanet 580, Orphanet 79388, MedGen C0026705, MONDO:0010674, OMIM 309900.

Submissions (2):

Laboratory of Diagnosis and Therapy of Lysosomal Disorders, University of Padova
Classification: Pathogenic for Mucopolysaccharidosis, MPS-II. Last evaluated: 2024-06-07. Review status: criteria provided, single submitter. Criteria: ACMG Guidelines, 2015. Collection method: literature only. Allele origin: germline. Affected: yes. Observed: 1 variant allele.
Comment: Null variant (PVS1_VeryStrong), Absent from controls (or at low frequency) in gnomAD database (PM2_Moderate), Patient’s phenotype or family history highly specific for the disease (PP4_Strong)

Classification method: ACMG Guidelines [PMID:25741868] with modifications

Department of Medical Genetics, Sanjay Gandhi Post Graduate Institute of Medical Sciences
Classification: Pathogenic for Mucopolysaccharidosis, MPS-II. Review status: criteria provided, single submitter. Criteria: ACMG Guidelines, 2015. Collection method: clinical testing. Allele origin: maternal. Inheritance: X-linked recessive inheritance. Affected: yes. Observed: 1 variant allele, 1 hemizygote.

Literature cited by the submitters: PubMed 26897145 (cited by Laboratory of Diagnosis and Therapy of Lysosomal Disorders, University of Padova).

NM_000202.8(IDS):c.162T>A (p.Tyr54Ter)

Gene: IDS (iduronate 2-sulfatase; minus strand). Cytogenetic location: Xq28.
Variant type: single nucleotide variant.
Coding change: c.162T>A on transcript NM_000202.8 (MANE Select); coding-DNA position 162, T replaced by A.
Protein change: p.Tyr54Ter; replaces tyrosine 54 with a stop codon.
Molecular consequence: nonsense. On other transcripts: 5 prime UTR variant (1), non-coding transcript variant (1).
Genome position (GRCh38, 1-based): chrX:149,504,235, A>T on the plus strand (T>A on the coding strand, the complement: IDS is on the minus strand). VCF-style: chrX-149504235-A-T. GRCh37 (hg19) VCF-style: chrX-148585765-A-T.
Other names: c.-65T>A (NM_001166550.4); c.162T>A, p.Tyr54Ter (NM_006123.5); short protein forms Y54*.
Identifiers: ClinVar variation 996934 (VCV000996934.3), dbSNP rs141088021, ClinGen allele CA414527636.